The following is an entry in ClinVar:

NM_001134831.2(AHI1):c.2295del (p.Gly766_Val767insTer)

Gene: AHI1 (Abelson helper integration site 1; minus strand). Cytogenetic location: 6q23.3.
Variant type: Deletion.
Coding change: c.2295del on transcript NM_001134831.2 (MANE Select); coding-DNA position 2295, one base deleted (A; older notation c.2295delA).
Protein change: p.Gly766_Val767insTer.
Molecular consequence: frameshift variant.
Genome position (GRCh38, 1-based): chr6:135,431,286, T deleted on the plus strand (A on the coding strand, the reverse complement: AHI1 is on the minus strand). VCF-style (leftmost placement, unchanged base first): chr6-135431285-CT-C. GRCh37 (hg19) VCF-style: chr6-135752423-CT-C.
Other names: c.2295del, p.Gly766_Val767insTer (NM_001134830.2, NM_001134832.2, NM_001350503.2 and 2 more transcripts).
Identifiers: ClinVar variation 2034067 (VCV002034067.4), dbSNP rs1369946782, ClinGen allele CA452213534.

ClinVar aggregate classification (germline): Pathogenic (1 of 4 stars; one submission).

Conditions:
Joubert syndrome. Also called: CEREBELLOPARENCHYMAL DISORDER IV; JOUBERT-BOLTSHAUSER SYNDROME; Familial aplasia of the vermis. Identifiers: Orphanet 475, MedGen C5979921, MONDO:0018772.

Allele frequency attached by ClinVar (database versions not stated): ESP Exome Variant Server 0.00009; TOPMed below 0.00001.

Submission:

Labcorp Genetics (formerly Invitae), Labcorp
Classification: Pathogenic for Joubert syndrome. Last evaluated: 2022-10-04. Review status: criteria provided, single submitter. Criteria: Invitae Variant Classification Sherloc (09022015). Collection method: clinical testing. Allele origin: germline.
Comment: For these reasons, this variant has been classified as Pathogenic. This variant has not been reported in the literature in individuals affected with AHI1-related conditions. This variant is not present in population databases (gnomAD no frequency). This sequence change creates a premature translational stop signal (p.Val767*) in the AHI1 gene. It is expected to result in an absent or disrupted protein product. Loss-of-function variants in AHI1 are known to be pathogenic (PMID: 15322546, 16453322, 28442542, 29186038).

Literature cited by the submitters: PubMed 15322546; PubMed 16453322; PubMed 28442542; PubMed 29186038.